The following is an entry in ClinVar:

NM_006206.6(PDGFRA):c.2098A>G (p.Lys700Glu)

Gene: PDGFRA (platelet derived growth factor receptor alpha; plus strand). Cytogenetic location: 4q12.
Variant type: single nucleotide variant.
Coding change: c.2098A>G on transcript NM_006206.6 (MANE Select); coding-DNA position 2098, A replaced by G.
Protein change: p.Lys700Glu; replaces lysine 700 with glutamic acid.
Molecular consequence: missense variant.
Genome position (GRCh38, 1-based): chr4:54,278,457, A>G. VCF-style: chr4-54278457-A-G. GRCh37 (hg19) VCF-style: chr4-55144624-A-G.
Other names: c.2098A>G, p.Lys700Glu (NM_001347827.2, NM_001347829.2); c.2173A>G, p.Lys725Glu (NM_001347828.2); c.2137A>G, p.Lys713Glu (NM_001347830.2); short protein forms K725E, K700E, K713E.
Identifiers: ClinVar variation 3416383 (VCV003416383.1).

ClinVar aggregate classification (germline): Uncertain significance (1 of 4 stars; one submission).

Conditions:
Hereditary cancer-predisposing syndrome. Also called: Neoplastic Syndromes, Hereditary; Tumor predisposition; Hereditary Cancer Syndrome; Hereditary neoplastic syndrome. Identifiers: Orphanet 140162, MedGen C0027672, MeSH D009386, MONDO:0015356.

Submission:

Ambry Genetics
Classification: Uncertain significance for Hereditary cancer-predisposing syndrome. Last evaluated: 2024-12-09. Review status: criteria provided, single submitter. Criteria: Ambry Variant Classification Scheme 2023. Collection method: clinical testing. Allele origin: germline.
Comment: The p.K700E variant (also known as c.2098A>G), located in coding exon 14 of the PDGFRA gene, results from an A to G substitution at nucleotide position 2098. The lysine at codon 700 is replaced by glutamic acid, an amino acid with similar properties. This amino acid position is highly conserved in available vertebrate species. In addition, this alteration is predicted to be deleterious by in silico analysis. Based on the available evidence, the clinical significance of this variant remains unclear.